The following is an entry in ClinVar:

NM_003172.4(SURF1):c.266_271del (p.Asn89_Leu90del)

Gene: SURF1 (SURF1 cytochrome c oxidase assembly factor; minus strand). Cytogenetic location: 9q34.2.
Variant type: Deletion.
Coding change: c.266_271del on transcript NM_003172.4 (MANE Select); coding-DNA positions 266 to 271, 6 bases deleted (ACCTGA; older notation c.266_271delACCTGA).
Protein change: p.Asn89_Leu90del.
Molecular consequence: inframe deletion. On other transcripts: 5 prime UTR variant (1).
Genome position (GRCh38, 1-based): chr9:133,354,711-133,354,716, TCAGGT deleted on the plus strand (ACCTGA on the coding strand, the reverse complement: SURF1 is on the minus strand); deleting any 6 consecutive bases within chr9:133,354,711-133,354,720 gives the same sequence; the c. name uses the placement nearest the transcript's 3' end. VCF-style (leftmost placement, unchanged base first): chr9-133354710-ATCAGGT-A. GRCh37 (hg19) VCF-style: chr9-136221565-ATCAGGT-A.
Other names: c.-62_-57del (NM_001280787.1).
Identifiers: ClinVar variation 1386019 (VCV001386019.6), dbSNP rs2119085074, ClinGen allele CA2573144311.

ClinVar aggregate classification (germline): Pathogenic (1 of 4 stars; one submission).

Conditions:
Leigh syndrome (NULS). Also called: Leigh's syndrome; Leigh Disease; Subacute necrotizing encephalopathy; Necrotizing encephalopathy infantile subacute of Leigh; LEIGH SYNDROME, NUCLEAR; Leigh Syndrome (mtDNA deletion). Identifiers: Orphanet 506, MedGen C2931891, MONDO:0009723, OMIM 256000.

Submission:

Labcorp Genetics (formerly Invitae), Labcorp
Classification: Pathogenic for Leigh syndrome. Last evaluated: 2022-02-10. Review status: criteria provided, single submitter. Criteria: Invitae Variant Classification Sherloc (09022015). Collection method: clinical testing. Allele origin: germline.
Comment: This variant has not been reported in the literature in individuals affected with SURF1-related conditions. This variant is not present in population databases (gnomAD no frequency). This variant, c.266_271del, results in the deletion of 2 amino acid(s) of the SURF1 protein (p.Asn89_Leu90del), but otherwise preserves the integrity of the reading frame. For these reasons, this variant has been classified as Pathogenic. This variant disrupts a region of the SURF1 protein in which other variant(s) (p.Leu90Pro) have been determined to be pathogenic (PMID: 19780766, 22488715, 29933018). This suggests that this is a clinically significant region of the protein, and that variants that disrupt it are likely to be disease-causing.

Literature cited by the submitters: PubMed 19780766; PubMed 22488715; PubMed 29933018.